The following is an entry in ClinVar:

NM_001371986.1(UNC80):c.3043G>A (p.Asp1015Asn)

Gene: UNC80 (unc-80 homolog, NALCN channel complex subunit; plus strand). Cytogenetic location: 2q34.
Variant type: single nucleotide variant.
Coding change: c.3043G>A on transcript NM_001371986.1 (MANE Select); coding-DNA position 3043, G replaced by A.
Protein change: p.Asp1015Asn; replaces aspartic acid 1015 with asparagine.
Molecular consequence: missense variant.
Genome position (GRCh38, 1-based): chr2:209,839,223, G>A. VCF-style: chr2-209839223-G-A. GRCh37 (hg19) VCF-style: chr2-210703947-G-A.
Other names: c.3043G>A, p.Asp1015Asn (NM_032504.2); c.3028G>A, p.Asp1010Asn (NM_182587.4); short protein forms D1010N, D1015N.
Identifiers: ClinVar variation 2179988 (VCV002179988.1), dbSNP rs1474468894, ClinGen allele CA350412042.

ClinVar aggregate classification (germline): Uncertain significance (1 of 4 stars; one submission).

Allele frequency attached by ClinVar (database versions not stated): gnomAD exomes 0.00002; TOPMed 0.00003; gnomAD 0.00004; 1000 Genomes Project 30x 0.00016.
gnomAD v4.1: 30 of 1,551,326 alleles (0.0019%); highest among the groups gnomAD compares: Middle Eastern, 0.017%; no homozygotes.

Submission:

Labcorp Genetics (formerly Invitae), Labcorp
Classification: Uncertain significance. Last evaluated: 2022-03-01. Review status: criteria provided, single submitter. Criteria: Invitae Variant Classification Sherloc (09022015). Collection method: clinical testing. Allele origin: germline.
Comment: This sequence change replaces aspartic acid, which is acidic and polar, with asparagine, which is neutral and polar, at codon 1015 of the UNC80 protein (p.Asp1015Asn). The frequency data for this variant in the population databases is considered unreliable, as metrics indicate poor data quality at this position in the gnomAD database. This variant has not been reported in the literature in individuals affected with UNC80-related conditions. Algorithms developed to predict the effect of missense changes on protein structure and function are either unavailable or do not agree on the potential impact of this missense change (SIFT: "Not Available"; PolyPhen-2: "Possibly Damaging"; Align-GVGD: "Not Available"). In summary, the available evidence is currently insufficient to determine the role of this variant in disease. Therefore, it has been classified as a Variant of Uncertain Significance.